The following is an entry in ClinVar:

ClinVar aggregate classification (germline): Uncertain significance (1 of 4 stars; one submission).

Allele frequency attached by ClinVar (database versions not stated): gnomAD exomes below 0.00001; TOPMed below 0.00001; gnomAD 0.00001.
gnomAD v4.1: 3 of 1,613,608 alleles (0.00019%); highest among the groups gnomAD compares: South Asian, 0.0011%; no homozygotes.

Submission:

Labcorp Genetics (formerly Invitae), Labcorp
Classification: Uncertain significance. Last evaluated: 2023-12-25. Review status: criteria provided, single submitter. Criteria: Invitae Variant Classification Sherloc (09022015). Collection method: clinical testing. Allele origin: germline.
Comment: This sequence change replaces leucine, which is neutral and non-polar, with phenylalanine, which is neutral and non-polar, at codon 242 of the TNFRSF11A protein (p.Leu242Phe). This variant is present in population databases (no rsID available, gnomAD 0.003%). This variant has not been reported in the literature in individuals affected with TNFRSF11A-related conditions. Advanced modeling of protein sequence and biophysical properties (such as structural, functional, and spatial information, amino acid conservation, physicochemical variation, residue mobility, and thermodynamic stability) performed at Invitae indicates that this missense variant is expected to disrupt TNFRSF11A protein function with a positive predictive value of 80%. In summary, the available evidence is currently insufficient to determine the role of this variant in disease. Therefore, it has been classified as a Variant of Uncertain Significance.

NM_003839.4(TNFRSF11A):c.724C>T (p.Leu242Phe)

Gene: TNFRSF11A (TNF receptor superfamily member 11a; plus strand). Cytogenetic location: 18q21.33.
Variant type: single nucleotide variant.
Coding change: c.724C>T on transcript NM_003839.4 (MANE Select); coding-DNA position 724, C replaced by T.
Protein change: p.Leu242Phe; replaces leucine 242 with phenylalanine.
Molecular consequence: missense variant. On other transcripts: intron variant (1).
Genome position (GRCh38, 1-based): chr18:62,361,787, C>T. VCF-style: chr18-62361787-C-T. GRCh37 (hg19) VCF-style: chr18-60029020-C-T.
Other names: c.724C>T, p.Leu242Phe (NM_001270949.2, NM_001270950.2); c.682C>T, p.Leu228Phe (NM_001278268.2); c.616+1738C>T (NM_001270951.2); short protein forms L228F, L242F.
Identifiers: ClinVar variation 2793712 (VCV002793712.3), dbSNP rs1344245859, ClinGen allele CA402614419.